The following is an entry in ClinVar:

NM_018671.5(UNC45A):c.2546G>A (p.Arg849Gln)

Genes: RCCD1-AS1 (RCCD1 and UNC45A antisense RNA 1; minus strand), UNC45A (unc-45 myosin chaperone A; plus strand). Cytogenetic location: 15q26.1.
Variant type: single nucleotide variant.
Coding change: c.2546G>A on transcript NM_018671.5 (MANE Select); coding-DNA position 2546, G replaced by A.
Protein change: p.Arg849Gln; replaces arginine 849 with glutamine.
Molecular consequence: missense variant.
Genome position (GRCh38, 1-based): chr15:90,953,279, G>A. VCF-style: chr15-90953279-G-A. GRCh37 (hg19) VCF-style: chr15-91496509-G-A.
Other names: c.2501G>A, p.Arg834Gln (NM_001039675.2, NM_001323621.2); c.2546G>A, p.Arg849Gln (NM_001323619.1); c.2111G>A, p.Arg704Gln (NM_001323620.2); short protein forms R704Q, R834Q, R849Q.
Identifiers: ClinVar variation 2367853 (VCV002367853.4), dbSNP rs561364913, ClinGen allele CA7743328.

ClinVar aggregate classification (germline): Uncertain significance. Review status: criteria provided, multiple submitters, no conflicts (2 of 4 stars). 2 submissions from 2 submitters: Uncertain significance (2). Last evaluated 2025-12-16.

Conditions:
Inborn genetic diseases. Identifiers: MedGen C0950123, MeSH D030342.

Allele frequency attached by ClinVar (database versions not stated): TOPMed below 0.00001; gnomAD 0.00001; ExAC 0.00008; 1000 Genomes Project 30x 0.00016; 1000 Genomes Project 0.00020.
gnomAD v4.1: 88 of 1,612,424 alleles (0.0055%); highest among the groups gnomAD compares: South Asian, 0.07%; no homozygotes.

Submissions (2):

Labcorp Genetics (formerly Invitae), Labcorp
Classification: Uncertain significance. Last evaluated: 2025-12-16. Review status: criteria provided, single submitter. Criteria: Invitae Variant Classification Sherloc (09022015). Collection method: clinical testing. Allele origin: germline.
Comment: This sequence change replaces arginine, which is basic and polar, with glutamine, which is neutral and polar, at codon 849 of the UNC45A protein (p.Arg849Gln). This variant is present in population databases (rs561364913, gnomAD 0.07%). This variant has not been reported in the literature in individuals affected with UNC45A-related conditions. ClinVar contains an entry for this variant (Variation ID: 2367853). Invitae Evidence Modeling of protein sequence and biophysical properties (such as structural, functional, and spatial information, amino acid conservation, physicochemical variation, residue mobility, and thermodynamic stability) indicates that this missense variant is not expected to disrupt UNC45A protein function with a negative predictive value of 80%. In summary, the available evidence is currently insufficient to determine the role of this variant in disease. Therefore, it has been classified as a Variant of Uncertain Significance.

Ambry Genetics
Classification: Uncertain significance for Inborn genetic diseases. Last evaluated: 2024-07-09. Review status: criteria provided, single submitter. Criteria: Ambry Variant Classification Scheme 2023. Collection method: clinical testing. Allele origin: germline.